The following is an entry in ClinVar:

NM_000089.4(COL1A2):c.594+1G>T

Gene: COL1A2 (collagen type I alpha 2 chain; plus strand). Cytogenetic location: 7q21.3.
Variant type: single nucleotide variant.
Coding change: c.594+1G>T on transcript NM_000089.4 (MANE Select); the canonical splice donor site of the intron after coding-DNA position 594, G replaced by T.
Molecular consequence: splice donor variant.
Genome position (GRCh38, 1-based): chr7:94,406,304, G>T. VCF-style: chr7-94406304-G-T. GRCh37 (hg19) VCF-style: chr7-94035616-G-T.
Identifiers: ClinVar variation 1414897 (VCV001414897.10), dbSNP rs2115881240, ClinGen allele CA368220113.

ClinVar aggregate classification (germline): Pathogenic/Likely pathogenic. Review status: criteria provided, multiple submitters, no conflicts (2 of 4 stars). 3 submissions from 3 submitters: Pathogenic (1); Likely pathogenic (2). Last evaluated 2022-12-12.

Conditions:
COL1A2-related disorder. Also called: COL1A2-Related Disorders; COL1A2-related condition.
Osteogenesis imperfecta type I (OI1). Also called: Lobstein disease; Osteogenesis imperfecta type 1; OI, TYPE I; OSTEOGENESIS IMPERFECTA TARDA; OSTEOGENESIS IMPERFECTA WITH BLUE SCLERAE; Classic Non-deforming Osteogenesis Imperfecta with Blue Sclerae. Identifiers: Orphanet 216796, Orphanet 666, MedGen C0023931, MONDO:0008146, OMIM 166200. Disease mechanism: loss of function.
Ehlers-Danlos syndrome, classic type, 1 (EDSCL1). Also called: EHLERS-DANLOS SYNDROME, GRAVIS TYPE; EHLERS-DANLOS SYNDROME, SEVERE CLASSIC TYPE; Ehlers-Danlos syndrome, type 1; Ehlers-Danlos Syndrome, Classic Type, COL5A1-Related; EDS I. Identifiers: MedGen C0268335, MONDO:0019567, OMIM 130000.

Submissions (3):

Revvity Omics, Revvity
Classification: Likely pathogenic. Last evaluated: 2022-12-12. Review status: criteria provided, single submitter. Criteria: ACMG Guidelines, 2015. Collection method: clinical testing. Allele origin: germline.

Labcorp Genetics (formerly Invitae), Labcorp
Classification: Pathogenic for Osteogenesis imperfecta type I; Ehlers-Danlos syndrome, classic type, 1. Last evaluated: 2022-06-27. Review status: criteria provided, single submitter. Criteria: Invitae Variant Classification Sherloc (09022015). Collection method: clinical testing. Allele origin: germline.
Comment: For these reasons, this variant has been classified as Pathogenic. This variant disrupts the triple helix domain of COL1A2. Glycine residues within the Gly-Xaa-Yaa repeats of the triple helix domain are required for the structure and stability of fibrillar collagens (PMID: 7695699, 8218237, 19344236). In COL1A2, variants affecting these glycine residues are significantly enriched in individuals with disease (PMID: 9016532, 17078022) compared to the general population (ExAC). Studies have shown that disruption of this splice site results in skipping of exon 12, but is expected to preserve the integrity of the reading-frame (PMID: 1642148). Disruption of this splice site has been observed in individuals with autosomal dominant osteogenesis imperfecta (PMID: 1642148; Invitae). This variant is not present in population databases (gnomAD no frequency). This sequence change affects a donor splice site in intron 12 of the COL1A2 gene. RNA analysis indicates that disruption of this splice site induces altered splicing and likely results in a shortened protein product.

Blueprint Genetics
Classification: Likely pathogenic for COL1A2-related disorders. Last evaluated: 2017-09-04. Review status: criteria provided, single submitter. Criteria: ACMG Guidelines, 2015. Collection method: clinical testing. Allele origin: germline. Affected: yes. Observed: 1 variant allele.

Literature cited by the submitters: PubMed 7695699 (cited by Labcorp Genetics (formerly Invitae), Labcorp); PubMed 8218237 (cited by Labcorp Genetics (formerly Invitae), Labcorp); PubMed 19344236 (cited by Labcorp Genetics (formerly Invitae), Labcorp); PubMed 9016532 (cited by Labcorp Genetics (formerly Invitae), Labcorp); PubMed 17078022 (cited by Labcorp Genetics (formerly Invitae), Labcorp); PubMed 1642148 (cited by Labcorp Genetics (formerly Invitae), Labcorp).